The following is an entry in ClinVar:

ClinVar aggregate classification (germline): Uncertain significance (1 of 4 stars; one submission).

Submission:

Labcorp Genetics (formerly Invitae), Labcorp
Classification: Uncertain significance. Last evaluated: 2024-10-07. Review status: criteria provided, single submitter. Criteria: Invitae Variant Classification Sherloc (09022015). Collection method: clinical testing. Allele origin: germline.
Comment: This sequence change replaces lysine, which is basic and polar, with glutamic acid, which is acidic and polar, at codon 813 of the MSH3 protein (p.Lys813Glu). This variant is not present in population databases (gnomAD no frequency). This variant has not been reported in the literature in individuals affected with MSH3-related conditions. ClinVar contains an entry for this variant (Variation ID: 1516420). An algorithm developed to predict the effect of missense changes on protein structure and function (PolyPhen-2) suggests that this variant is likely to be tolerated. In summary, the available evidence is currently insufficient to determine the role of this variant in disease. Therefore, it has been classified as a Variant of Uncertain Significance.

NM_002439.5(MSH3):c.2437A>G (p.Lys813Glu)

Gene: MSH3 (mutS homolog 3; plus strand). Cytogenetic location: 5q14.1.
Variant type: single nucleotide variant.
Coding change: c.2437A>G on transcript NM_002439.5 (MANE Select); coding-DNA position 2437, A replaced by G.
Protein change: p.Lys813Glu; replaces lysine 813 with glutamic acid.
Molecular consequence: missense variant.
Genome position (GRCh38, 1-based): chr5:80,787,566, A>G. VCF-style: chr5-80787566-A-G. GRCh37 (hg19) VCF-style: chr5-80083385-A-G.
Other names: short protein forms K813E.
Identifiers: ClinVar variation 1516420 (VCV001516420.8), dbSNP rs2112020135, ClinGen allele CA360282914.